The following is an entry in ClinVar:

ClinVar aggregate classification (germline): Uncertain significance. Review status: criteria provided, multiple submitters, no conflicts (2 of 4 stars). 3 submissions from 3 submitters: Uncertain significance (3). Last evaluated 2025-10-01.

Conditions:
DYRK1B-related disorder. Also called: DYRK1B-related condition.

Allele frequency attached by ClinVar (database versions not stated): ExAC 0.00004; gnomAD 0.00004; gnomAD exomes 0.00004; TOPMed 0.00004; ESP Exome Variant Server 0.00008; 1000 Genomes Project 30x 0.00016; 1000 Genomes Project 0.00020.

Submissions (3):

PreventionGenetics, part of Exact Sciences
Classification: Uncertain significance for DYRK1B-related condition. Last evaluated: 2025-10-01. Review status: criteria provided, single submitter. Criteria: ACMG Guidelines, 2015. Collection method: clinical testing. Allele origin: germline.
Comment: The DYRK1B c.1336A>G variant is predicted to result in the amino acid substitution p.Ser446Gly. To our knowledge, this variant has not been reported in the literature. This variant is reported in 0.0096% of alleles in individuals of African descent in gnomAD. At this time, the clinical significance of this variant is uncertain due to the absence of conclusive functional and genetic evidence.

Labcorp Genetics (formerly Invitae), Labcorp
Classification: Uncertain significance. Last evaluated: 2023-10-03. Review status: criteria provided, single submitter. Criteria: Invitae Variant Classification Sherloc (09022015). Collection method: clinical testing. Allele origin: germline.
Comment: This sequence change replaces serine, which is neutral and polar, with glycine, which is neutral and non-polar, at codon 446 of the DYRK1B protein (p.Ser446Gly). This variant is present in population databases (rs376035962, gnomAD 0.01%). This variant has not been reported in the literature in individuals affected with DYRK1B-related conditions. Advanced modeling of protein sequence and biophysical properties (such as structural, functional, and spatial information, amino acid conservation, physicochemical variation, residue mobility, and thermodynamic stability) performed at Invitae indicates that this missense variant is not expected to disrupt DYRK1B protein function. In summary, the available evidence is currently insufficient to determine the role of this variant in disease. Therefore, it has been classified as a Variant of Uncertain Significance.

Breakthrough Genomics
Classification: Uncertain significance. Review status: criteria provided, single submitter. Criteria: ACMG Guidelines, 2015. Collection method: not provided. Allele origin: germline. Inheritance: Autosomal dominant inheritance. Affected: yes.

NM_004714.3(DYRK1B):c.1336A>G (p.Ser446Gly)

Gene: DYRK1B (dual specificity tyrosine phosphorylation regulated kinase 1B; minus strand). Cytogenetic location: 19q13.2.
Variant type: single nucleotide variant.
Coding change: c.1336A>G on transcript NM_004714.3 (MANE Select); coding-DNA position 1336, A replaced by G.
Protein change: p.Ser446Gly; replaces serine 446 with glycine.
Molecular consequence: missense variant.
Genome position (GRCh38, 1-based): chr19:39,826,747, T>C on the plus strand (A>G on the coding strand, the complement: DYRK1B is on the minus strand). VCF-style: chr19-39826747-T-C. GRCh37 (hg19) VCF-style: chr19-40317387-T-C.
Other names: c.1216A>G, p.Ser406Gly (NM_006483.3); c.1252A>G, p.Ser418Gly (NM_006484.3); short protein forms S406G, S418G, S446G.
Identifiers: ClinVar variation 2630931 (VCV002630931.8), dbSNP rs376035962, ClinGen allele CA9434080.